The following is an entry in ClinVar:

NM_000156.6(GAMT):c.609dup (p.Arg204fs)

Gene: GAMT (guanidinoacetate N-methyltransferase; minus strand). Cytogenetic location: 19p13.3.
Variant type: Duplication.
Coding change: c.609dup on transcript NM_000156.6 (MANE Select); coding-DNA position 609, one base duplicated (G; older notation c.609dupG).
Protein change: p.Arg204fs; shifts the reading frame from arginine 204.
Molecular consequence: frameshift variant.
Genome position (GRCh38, 1-based): chr19:1,397,461, C duplicated on the plus strand (G on the coding strand, the reverse complement: GAMT is on the minus strand); the first of 2 consecutive C bases (chr19:1,397,461-1,397,462); duplicating either gives the same sequence. VCF-style (leftmost placement, unchanged base first): chr19-1397460-T-TC. GRCh37 (hg19) VCF-style: chr19-1397459-T-TC.
Other names: NM_000156.6:c.609dup; short protein forms R204fs.
Identifiers: ClinVar variation 1312504 (VCV001312504.6), dbSNP rs745740974, ClinGen allele CA9043559.
Genomic context (GRCh38, chr19:1,397,460, plus strand): 5'-CGTAGTAGCGGCAGTCGGCCGGTGGGACCAGCGCCATCACCTCCGTACGGATGTTCTCCC[T>TC]CCGGAAGCCGGCCTCCAGCAGCGCGGGCACCTGCGTCTCCTGGTCGGGGATGGCACCAGG-3'

ClinVar aggregate classification (germline): Likely pathogenic. Review status: criteria provided, multiple submitters, no conflicts (2 of 4 stars). 3 submissions from 3 submitters: Likely pathogenic (2). 1 of the submissions does not count toward it. Last evaluated 2025-05-05.

Conditions:
Cerebral creatine deficiency syndrome. Also called: Creatine deficiency syndromes. Identifiers: Orphanet 79172, MedGen C5244016, MONDO:0000456.
Deficiency of guanidinoacetate methyltransferase (CCDS2). Also called: GAMT DEFICIENCY; Guanidinoacetate Methyltransferase (GAMT) Deficiency; CEREBRAL CREATINE DEFICIENCY SYNDROME 2. Identifiers: Orphanet 382, MedGen C0574080, MONDO:0012999, OMIM 612736.

Submissions (3):

Broad Center for Mendelian Genomics, Broad Institute of MIT and Harvard
Classification: Likely pathogenic for Cerebral creatine deficiency syndrome. Last evaluated: 2025-05-05. Review status: criteria provided, single submitter. Criteria: ACMG Guidelines, 2015. Collection method: curation. Allele origin: germline. Inheritance: Autosomal recessive inheritance.
Comment: The p.Arg204GlufsTer63 variant in GAMT has been reported in 3 individuals with cerebral creatine deficiency syndrome (PMID: 27848944, 34389248), segregated with disease in 1 affected relative from 1 family (PMID: 34389248), and has been identified in 0.00008% (1/117988) of European (non-Finnish) chromosomes by the Genome Aggregation Database (gnomAD; dbSNP ID: rs745740974). Although this variant has been seen in the general population in a heterozygous state, its frequency is low enough to be consistent with a recessive carrier frequency. This variant has also been reported in ClinVar (Variation ID#: 1312504) and has been interpreted as pathogenic by OMIM. Of the 2 affected individuals, both were homozygotes, which increases the likelihood that the p.Arg204GlufsTer63 is pathogenic (PMID: 27848944, 34389248). This variant is predicted to cause a frameshift, which alters the protein’s amino acid sequence beginning at position 204 and leads to a premature termination codon 63 amino acids downstream. This alteration occurs within the last exon and is more likely to escape nonsense mediated decay (NMD) and result in an extended protein. Loss of function of the GAMT gene is an established disease mechanism in autosomal recessive cerebral creatine deficiency syndrome. In summary, although additional studies are required to fully establish its clinical significance, this variant is likely pathogenic for autosomal recessive cerebral creatine deficiency syndrome. ACMG/AMP Criteria applied: PVS1_strong, PM3, PM2_supporting (Richards 2015).

Labcorp Genetics (formerly Invitae), Labcorp
Classification: Likely pathogenic for Cerebral creatine deficiency syndrome. Last evaluated: 2024-02-27. Review status: criteria provided, single submitter. Criteria: Invitae Variant Classification Sherloc (09022015). Collection method: clinical testing. Allele origin: germline.
Comment: This sequence change results in a frameshift in the GAMT gene (p.Arg204Glufs*63). While this is not anticipated to result in nonsense mediated decay, it is expected to disrupt the last 33 amino acid(s) of the GAMT protein and extend the protein by 29 additional amino acid residues. This variant is present in population databases (rs745740974, gnomAD 0.0009%). This frameshift has been observed in individual(s) with clinical features of guanidinoacetate methyltransferase (GAMT) deficiency (PMID: 19027335, 27848944, 34389248). ClinVar contains an entry for this variant (Variation ID: 1312504). Algorithms developed to predict the effect of sequence changes on RNA splicing suggest that this variant may disrupt the consensus splice site. This variant disrupts a region of the GAMT protein in which other variant(s) (p.Arg208Pro) have been observed in individuals with GAMT-related conditions (PMID: 24415674). This suggests that this is a clinically significant region of the protein, and that variants that disrupt it are likely to be disease-causing. In summary, the currently available evidence indicates that the variant is pathogenic, but additional data are needed to prove that conclusively. Therefore, this variant has been classified as Likely Pathogenic.

OMIM
Classification: Pathogenic for CEREBRAL CREATINE DEFICIENCY SYNDROME 2. Last evaluated: 2022-06-23. Review status: no assertion criteria provided. Collection method: literature only. Allele origin: germline. Not counted in ClinVar's aggregate classification.

Literature cited by the submitters: PubMed 19027335 (cited by Labcorp Genetics (formerly Invitae), Labcorp); PubMed 27848944 (cited by Labcorp Genetics (formerly Invitae), Labcorp); PubMed 34389248 (cited by Labcorp Genetics (formerly Invitae), Labcorp and OMIM); PubMed 24415674 (cited by Labcorp Genetics (formerly Invitae), Labcorp).